The following is an entry in ClinVar:

ClinVar aggregate classification (germline): Likely pathogenic (0 of 4 stars; one submission).

Conditions:
Peutz-Jeghers syndrome (PJS). Also called: POLYPOSIS, HAMARTOMATOUS INTESTINAL; POLYPS-AND-SPOTS SYNDROME; Peutz-Jeghers polyposis; Periorificial lentiginosis syndrome. Identifiers: Orphanet 2869, MedGen C0031269, MeSH D010580, MONDO:0008280, OMIM 175200.

Submission:

deCODE genetics, Amgen
Classification: Likely pathogenic for Peutz-Jeghers syndrome. Last evaluated: 2023-07-21. Review status: no assertion criteria provided. Collection method: research. Allele origin: germline. Affected: yes. Observed: 1 variant allele.
Comment: The variant NM_000455.5:c.1036_1037del (chr19:1223099) in STK11 was detected in 1 heterozygote out of 58K WGS Icelanders (MAF= 0,001%). This variant has not been reported in ClinVar previously. Based on ACMG criteria (PVS1, PM2) this variant classifies as likely pathogenic.

NM_000455.5(STK11):c.1036_1037del (p.Gly346fs)

Genes: STK11 (serine/threonine kinase 11; plus strand), LOC130062899 (ATAC-STARR-seq lymphoblastoid active region 13597; plus strand). Cytogenetic location: 19p13.3.
Variant type: Deletion.
Coding change: c.1036_1037del on transcript NM_000455.5 (MANE Select); coding-DNA positions 1036 to 1037, 2 bases deleted (GG; older notation c.1036_1037delGG).
Protein change: p.Gly346fs; shifts the reading frame from glycine 346.
Molecular consequence: frameshift variant. On other transcripts: non-coding transcript variant (1).
Genome position (GRCh38, 1-based): chr19:1,223,100-1,223,101, GG deleted. VCF-style (leftmost placement, unchanged base first): chr19-1223099-CGG-C. GRCh37 (hg19) VCF-style: chr19-1223098-CGG-C.
Other names: c.1036_1037del, p.Gly346fs (NM_001407255.1); short protein forms G346fs.
Identifiers: ClinVar variation 2574115 (VCV002574115.1), dbSNP rs2512949131, ClinGen allele CA2697555606.